The following is an entry in ClinVar:

ClinVar aggregate classification (germline): Conflicting classifications of pathogenicity. Review status: criteria provided, conflicting classifications (1 of 4 stars). 4 submissions from 4 submitters: Uncertain significance (2); Likely benign (2). Last evaluated 2025-06-07.

Conditions:
Myoclonic epilepsy, juvenile, susceptibility to, 1. Also called: Myoclonic Epilepsy, Juvenile, 1; EJM1. Identifiers: MedGen C1850778, MONDO:0020752, OMIM 254770.
Absence seizure. Also called: Absence epilepsy. Identifiers: Orphanet 1941, MedGen C0014553.

Allele frequency attached by ClinVar (database versions not stated): gnomAD 0.00001; gnomAD exomes 0.00001 and 0.00003; ExAC 0.00003.
gnomAD v4.1: 11 of 1,613,854 alleles (0.00068%); highest among the groups gnomAD compares: South Asian, 0.0077%; no homozygotes.

Submissions (4):

Ambry Genetics
Classification: Likely benign. Last evaluated: 2025-06-07. Review status: criteria provided, single submitter. Criteria: Ambry Variant Classification Scheme 2023. Collection method: clinical testing. Allele origin: germline.

Women's Health and Genetics/Laboratory Corporation of America, LabCorp
Classification: Uncertain significance. Last evaluated: 2025-03-18. Review status: criteria provided, single submitter. Criteria: LabCorp Variant Classification Summary - May 2015. Collection method: clinical testing. Allele origin: germline.
Comment: Variant summary: EFHC1 c.547G>A (p.Val183Ile) results in a conservative amino acid change in the encoded protein sequence. Five of five in-silico tools predict a benign effect of the variant on protein function. The variant allele was found at a frequency of 2.8e-05 in 250982 control chromosomes. The available data on variant occurrences in the general population are insufficient to allow any conclusion about variant significance. To our knowledge, no occurrence of c.547G>A in individuals affected with Juvenile Myoclonic Epilepsy and no experimental evidence demonstrating its impact on protein function have been reported. ClinVar contains an entry for this variant (Variation ID: 205378). Based on the evidence outlined above, the variant was classified as uncertain significance.

Labcorp Genetics (formerly Invitae), Labcorp
Classification: Uncertain significance for Myoclonic epilepsy, juvenile, susceptibility to, 1; Absence seizure. Last evaluated: 2020-12-08. Review status: criteria provided, single submitter. Criteria: Invitae Variant Classification Sherloc (09022015). Collection method: clinical testing. Allele origin: germline.
Comment: This sequence change replaces valine with isoleucine at codon 183 of the EFHC1 protein (p.Val183Ile). The valine residue is weakly conserved and there is a small physicochemical difference between valine and isoleucine. This variant is present in population databases (rs769591944, ExAC 0.02%). This variant has not been reported in the literature in individuals with EFHC1-related disease. ClinVar contains an entry for this variant (Variation ID: 205378). Algorithms developed to predict the effect of missense changes on protein structure and function output the following: SIFT: "Tolerated"; PolyPhen-2: "Benign"; Align-GVGD: "Class C0". The isoleucine amino acid residue is found in multiple mammalian species, suggesting that this missense change does not adversely affect protein function. These predictions have not been confirmed by published functional studies and their clinical significance is uncertain. In summary, the available evidence is currently insufficient to determine the role of this variant in disease. Therefore, it has been classified as a Variant of Uncertain Significance.

GeneDx
Classification: Likely benign. Last evaluated: 2013-11-07. Review status: criteria provided, single submitter. Criteria: GeneDx Variant Classification (06012015). Collection method: clinical testing. Allele origin: germline. Affected: yes.
Comment: This variant is considered likely benign or benign based on one or more of the following criteria: it is a conservative change, it occurs at a poorly conserved position in the protein, it is predicted to be benign by multiple in silico algorithms, and/or has population frequency not consistent with disease.

NM_018100.4(EFHC1):c.547G>A (p.Val183Ile)

Gene: EFHC1 (EF-hand domain containing 1; plus strand). Cytogenetic location: 6p12.2.
Variant type: single nucleotide variant.
Coding change: c.547G>A on transcript NM_018100.4 (MANE Select); coding-DNA position 547, G replaced by A.
Protein change: p.Val183Ile; replaces valine 183 with isoleucine.
Molecular consequence: missense variant. On other transcripts: non-coding transcript variant (1).
Genome position (GRCh38, 1-based): chr6:52,438,565, G>A. VCF-style: chr6-52438565-G-A. GRCh37 (hg19) VCF-style: chr6-52303363-G-A.
Other names: p.V183I:GTT>ATT; c.490G>A, p.Val164Ile (NM_001172420.2); short protein forms V183I, V164I.
Identifiers: ClinVar variation 205378 (VCV000205378.12), dbSNP rs769591944, ClinGen allele CA314394.